The following is an entry in ClinVar:

ClinVar aggregate classification (germline): Uncertain significance. Review status: criteria provided, multiple submitters, no conflicts (2 of 4 stars). 2 submissions from 2 submitters: Uncertain significance (2). Last evaluated 2025-06-24.

Conditions:
Cardiovascular phenotype. Identifiers: MedGen CN230736.

Allele frequency attached by ClinVar (database versions not stated): ExAC 0.00005.
gnomAD v4.1: 42 of 1,585,974 alleles (0.0026%); highest among the groups gnomAD compares: Admixed American, 0.0035%; no homozygotes.

Submissions (2):

Ambry Genetics
Classification: Uncertain significance for Cardiovascular phenotype. Last evaluated: 2025-06-24. Review status: criteria provided, single submitter. Criteria: Ambry Variant Classification Scheme 2023. Collection method: clinical testing. Allele origin: germline.

GeneDx
Classification: Uncertain significance. Last evaluated: 2024-09-20. Review status: criteria provided, single submitter. Criteria: GeneDx Variant Classification Process June 2021. Collection method: clinical testing. Allele origin: germline. Affected: yes.
Comment: In silico analysis indicates that this missense variant does not alter protein structure/function; Has not been previously published as pathogenic or benign to our knowledge

NM_001365276.2(TNXB):c.5284C>T (p.Arg1762Trp)

Gene: TNXB (tenascin XB; minus strand). Cytogenetic location: 6p21.33.
Variant type: single nucleotide variant.
Coding change: c.5284C>T on transcript NM_001365276.2 (MANE Select); coding-DNA position 5284, C replaced by T.
Protein change: p.Arg1762Trp; replaces arginine 1762 with tryptophan.
Molecular consequence: missense variant.
Genome position (GRCh38, 1-based): chr6:32,069,856, G>A on the plus strand (C>T on the coding strand, the complement: TNXB is on the minus strand). VCF-style: chr6-32069856-G-A. GRCh37 (hg19) VCF-style: chr6-32037633-G-A.
Other names: c.5284C>T, p.Arg1762Trp (NM_019105.8); short protein forms R1762W.
Identifiers: ClinVar variation 1746587 (VCV001746587.4), dbSNP rs773066620, ClinGen allele CA3734736.